The following is an entry in ClinVar:

NM_004415.4(DSP):c.4145T>C (p.Met1382Thr)

Gene: DSP (desmoplakin; plus strand). Cytogenetic location: 6p24.3.
Variant type: single nucleotide variant.
Coding change: c.4145T>C on transcript NM_004415.4 (MANE Select); coding-DNA position 4145, T replaced by C.
Protein change: p.Met1382Thr; replaces methionine 1382 with threonine.
Molecular consequence: missense variant. On other transcripts: intron variant (2).
Genome position (GRCh38, 1-based): chr6:7,580,335, T>C. VCF-style: chr6-7580335-T-C. GRCh37 (hg19) VCF-style: chr6-7580568-T-C.
Other names: c.4050+95T>C (NM_001319034.2); c.3582+563T>C (NM_001008844.3); short protein forms M1382T.
Identifiers: ClinVar variation 2938595 (VCV002938595.3), dbSNP rs1230551418, ClinGen allele CA362685654.

ClinVar aggregate classification (germline): Uncertain significance (1 of 4 stars; one submission).

Conditions:
Arrhythmogenic right ventricular dysplasia 8 (ARVD8). Also called: Arrhythmogenic Right Ventricular Dysplasia/Cardiomyopathy 8; ARRHYTHMOGENIC RIGHT VENTRICULAR DYSPLASIA, FAMILIAL, 8; ARRHYTHMOGENIC RIGHT VENTRICULAR CARDIOMYOPATHY 8. Identifiers: MedGen C1843896, MONDO:0011831, OMIM 607450.
Arrhythmogenic cardiomyopathy with wooly hair and keratoderma. Also called: PALMOPLANTAR KERATODERMA WITH LEFT VENTRICULAR CARDIOMYOPATHY AND WOOLLY HAIR; Carvajal syndrome; Dilated cardiomyopathy with woolly hair and keratoderma; Arrhythmogenic cardiomyopathy with woolly hair and keratoderma. Identifiers: Orphanet 65282, MedGen C1854063, MONDO:0011581, OMIM 605676.

Submission:

Labcorp Genetics (formerly Invitae), Labcorp
Classification: Uncertain significance for Arrhythmogenic cardiomyopathy with wooly hair and keratoderma; Arrhythmogenic right ventricular dysplasia 8. Last evaluated: 2023-05-16. Review status: criteria provided, single submitter. Criteria: Invitae Variant Classification Sherloc (09022015). Collection method: clinical testing. Allele origin: germline.
Comment: In summary, the available evidence is currently insufficient to determine the role of this variant in disease. Therefore, it has been classified as a Variant of Uncertain Significance. An algorithm developed to predict the effect of missense changes on protein structure and function (PolyPhen-2) suggests that this variant is likely to be tolerated. This variant has not been reported in the literature in individuals affected with DSP-related conditions. This variant is not present in population databases (gnomAD no frequency). This sequence change replaces methionine, which is neutral and non-polar, with threonine, which is neutral and polar, at codon 1382 of the DSP protein (p.Met1382Thr).